The following is an entry in ClinVar:

ClinVar aggregate classification (germline): Likely benign. Review status: criteria provided, multiple submitters, no conflicts (2 of 4 stars). 3 submissions from 3 submitters: Likely benign (3). Last evaluated 2026-01-25.

Conditions:
Nephronophthisis. Also called: Juvenile Nephronophthisis. Identifiers: Orphanet 655, MedGen C0687120, MONDO:0019005, HP:0000090.
NPHP3-related disorder. Also called: NPHP3-related disorders; NPHP3-related condition. Identifiers: MedGen CN379163.

Allele frequency attached by ClinVar (database versions not stated): ExAC 0.00001; gnomAD 0.00001; gnomAD exomes 0.00001 and 0.00002; TOPMed 0.00002.
gnomAD v4.1: 32 of 1,613,850 alleles (0.002%); highest among the groups gnomAD compares: Non-Finnish European, 0.0024%; no homozygotes.

Submissions (3):

Labcorp Genetics (formerly Invitae), Labcorp
Classification: Likely benign for Nephronophthisis. Last evaluated: 2026-01-25. Review status: criteria provided, single submitter. Criteria: Invitae Variant Classification Sherloc (09022015). Collection method: clinical testing. Allele origin: germline.

PreventionGenetics, part of Exact Sciences
Classification: Likely benign for NPHP3-related condition. Last evaluated: 2024-11-21. Review status: criteria provided, single submitter. Criteria: ACMG Guidelines, 2015. Collection method: clinical testing. Allele origin: germline.
Comment: This variant is classified as likely benign based on ACMG/AMP sequence variant interpretation guidelines (Richards et al. 2015 PMID: 25741868, with internal and published modifications).

CeGaT Center for Human Genetics Tuebingen
Classification: Likely benign. Last evaluated: 2023-03-01. Review status: criteria provided, single submitter. Criteria: CeGaT Center For Human Genetics Tuebingen Variant Classification Criteria Version 2. Collection method: clinical testing. Allele origin: germline. Affected: yes. Observed: 1 variant allele.
Comment: NPHP3: BP4, BP7

NM_153240.5(NPHP3):c.2937C>T (p.Pro979=)

Genes: NPHP3-ACAD11 (NPHP3-ACAD11 readthrough (NMD candidate); minus strand), NPHP3 (nephrocystin 3; minus strand). Cytogenetic location: 3q22.1.
Variant type: single nucleotide variant.
Coding change: c.2937C>T on transcript NM_153240.5 (MANE Select); coding-DNA position 2937, C replaced by T.
Protein change: p.Pro979=; no amino-acid change (proline 979 retained).
Molecular consequence: synonymous variant. On other transcripts: non-coding transcript variant (1).
Genome position (GRCh38, 1-based): chr3:132,688,838, G>A on the plus strand (C>T on the coding strand, the complement: NPHP3 is on the minus strand). VCF-style: chr3-132688838-G-A. GRCh37 (hg19) VCF-style: chr3-132407682-G-A.
Other names: c.2937C>T (NM_153240.4).
Identifiers: ClinVar variation 1095922 (VCV001095922.33), dbSNP rs774962213, ClinGen allele CA2621874.